The following is an entry in ClinVar:

ClinVar aggregate classification (germline): Conflicting classifications of pathogenicity. Review status: criteria provided, conflicting classifications (1 of 4 stars). 16 submissions from 16 submitters: Uncertain significance (11); Likely benign (1). 4 of the submissions do not count toward it. Last evaluated 2025-10-26.

Conditions:
BRCA2-related disorder. Also called: BRCA2-related disorders; BRCA2-related condition. Identifiers: MedGen CN239275.
BRCA2-related cancer predisposition. Identifiers: MedGen CN377758, MONDO:0700269.
Breast and/or ovarian cancer. Identifiers: MedGen CN221562.
Hereditary cancer-predisposing syndrome. Also called: Tumor predisposition; Neoplastic Syndromes, Hereditary; Hereditary neoplastic syndrome; Hereditary Cancer Syndrome. Identifiers: Orphanet 140162, MedGen C0027672, MeSH D009386, MONDO:0015356.
Hereditary breast ovarian cancer syndrome. Also called: Hereditary breast and ovarian cancer; BRCA1- and BRCA2-Associated Hereditary Breast and Ovarian Cancer; Breast and ovarian cancer; Hereditary breast and/or ovarian cancer syndrome; Hereditary breast and ovarian cancer syndrome; Hereditary breast and ovarian cancer syndrome (HBOC). Identifiers: Orphanet 145, MedGen C0677776, MeSH D061325, MONDO:0003582. Disease mechanism: loss of function.
Breast-ovarian cancer, familial, susceptibility to, 2 (BROVCA2). Also called: BRCA2 Hereditary Breast and Ovarian Cancer. Identifiers: Orphanet 145, MedGen C2675520, MONDO:0012933, OMIM 612555. Disease mechanism: loss of function.
Familial cancer of breast. Also called: hereditary breast carcinoma; BREAST CANCER, FAMILIAL; Hereditary breast cancer. Identifiers: Orphanet 227535, MedGen C0346153, MONDO:0016419, OMIM 114480. Disease mechanism: loss of function.
Malignant tumor of breast. Also called: Malignant breast neoplasm; Cancer breast. Identifiers: MedGen C0006142, MONDO:0007254. Disease mechanism: loss of function.

Allele frequency attached by ClinVar (database versions not stated): gnomAD 0.00001; gnomAD exomes 0.00001; ExAC 0.00002.
gnomAD v4.1: 20 of 1,614,000 alleles (0.0012%); highest among the groups gnomAD compares: Non-Finnish European, 0.0017%; no homozygotes.

Submissions 1 to 11 of 16:

Labcorp Genetics (formerly Invitae), Labcorp
Classification: Uncertain significance for Hereditary breast ovarian cancer syndrome. Last evaluated: 2025-10-26. Review status: criteria provided, single submitter. Criteria: Invitae Variant Classification Sherloc (09022015). Collection method: clinical testing. Allele origin: germline.
Comment: This sequence change replaces isoleucine, which is neutral and non-polar, with threonine, which is neutral and polar, at codon 3113 of the BRCA2 protein (p.Ile3113Thr). This variant is present in population databases (rs770003991, gnomAD 0.002%). This missense change has been observed in individual(s) with breast cancer (PMID: 32885271). ClinVar contains an entry for this variant (Variation ID: 187011). Invitae Evidence Modeling of protein sequence and biophysical properties (such as structural, functional, and spatial information, amino acid conservation, physicochemical variation, residue mobility, and thermodynamic stability) indicates that this missense variant is not expected to disrupt BRCA2 protein function with a negative predictive value of 95%. In summary, the available evidence is currently insufficient to determine the role of this variant in disease. Therefore, it has been classified as a Variant of Uncertain Significance.

Quest Diagnostics Nichols Institute San Juan Capistrano
Classification: Uncertain significance. Last evaluated: 2025-09-15. Review status: criteria provided, single submitter. Criteria: Quest Diagnostics criteria. Collection method: clinical testing. Allele origin: unknown.
Comment: The BRCA2 c.9338T>C (p.Ile3113Thr) variant has been reported in the published literature in individuals with breast and pancreatic cancer (PMID: 32885271 (2021), ovarian cancer (PMID: 32483276 (2020), as well as in a breast cancer case and a reportedly unaffected individual in a large scale breast cancer association study (PMID: 33471991 (2021), see also LOVD). The frequency of this variant in the general population (Genome Aggregation Database) is uninformative in the assessment of its pathogenicity. Analysis of this variant using bioinformatics tools for the prediction of the effect of amino acid changes on protein structure and function yielded predictions that this variant is benign. Based on the available information, we are unable to determine the clinical significance of this variant.

Ambry Genetics
Classification: Likely benign for Hereditary cancer-predisposing syndrome. Last evaluated: 2025-05-15. Review status: criteria provided, single submitter. Criteria: Ambry Variant Classification Scheme 2023. Collection method: clinical testing. Allele origin: germline.

Center for Genomic Medicine, Rigshospitalet, Copenhagen University Hospital
Classification: Uncertain significance. Last evaluated: 2025-03-04. Review status: criteria provided, single submitter. Criteria: ACMG Guidelines, 2015. Collection method: clinical testing. Allele origin: germline.

Molecular Pathology, Peter Maccallum Cancer Centre
Classification: Uncertain significance for Breast-ovarian cancer, familial, susceptibility to, 2. Last evaluated: 2024-12-31. Review status: criteria provided, single submitter. Criteria: ACMG Guidelines, 2015. Collection method: clinical testing. Allele origin: germline. Inheritance: Autosomal dominant inheritance.

Blueprint Genetics
Classification: Uncertain significance. Last evaluated: 2024-11-19. Review status: criteria provided, single submitter. Criteria: ACMG Guidelines, 2015. Collection method: clinical testing. Allele origin: germline.

All of Us Research Program, National Institutes of Health
Classification: Uncertain significance for BRCA2-related cancer predisposition. Last evaluated: 2024-05-14. Review status: criteria provided, single submitter. Criteria: ACMG Guidelines, 2015. Collection method: clinical testing. Allele origin: germline. Inheritance: Autosomal dominant inheritance. Observed: 10 variant alleles, 10 heterozygotes.
Comment: This missense variant replaces isoleucine with threonine at codon 3113 of the BRCA2 protein. Computational prediction is inconclusive regarding the impact of this variant on protein structure and function (internally defined REVEL score threshold 0.5 < inconclusive < 0.7, PMID: 27666373). To our knowledge, functional studies have not been reported for this variant. This variant has been reported in three individuals affected with breast, pancreatic, and/or ovarian cancer (PMID: 32483276, 32885271). In a large breast cancer case-control meta analysis conducted by the BRIDGES consortium, this variant was reported in 1/60466 cases and 1/53461 unaffected controls (PMID: 33471991; Leiden Open Variation Database DB-ID BRCA2_007521). This variant has been identified in 2/251296 chromosomes in the general population by the Genome Aggregation Database (gnomAD). The available evidence is insufficient to determine the role of this variant in disease conclusively. Therefore, this variant is classified as a Variant of Uncertain Significance.

This study involves interpretation of variants in research participants for the purpose of population health screening. Participant phenotype was not available at the time of variant classification. Additional details can be found in publication PMID: 35346344, PMCID: PMC8962531

GeneDx
Classification: Uncertain significance. Last evaluated: 2024-03-13. Review status: criteria provided, single submitter. Criteria: GeneDx Variant Classification Process June 2021. Collection method: clinical testing. Allele origin: germline.
Comment: Not observed at significant frequency in large population cohorts (gnomAD); In silico analysis supports that this missense variant does not alter protein structure/function; Observed in an individual with breast and pancreatic cancer (PMID: 32885271); Also known as 9566T>C; This variant is associated with the following publications: (PMID: 29884841, 31131967, 12228710, 32885271)

Color Diagnostics, LLC DBA Color Health
Classification: Uncertain significance for Hereditary cancer-predisposing syndrome. Last evaluated: 2024-02-15. Review status: criteria provided, single submitter. Criteria: ACMG Guidelines, 2015. Collection method: clinical testing. Allele origin: germline.
Comment: This missense variant replaces isoleucine with threonine at codon 3113 of the BRCA2 protein. Computational prediction is inconclusive regarding the impact of this variant on protein structure and function (internally defined REVEL score threshold 0.5 < inconclusive < 0.7, PMID: 27666373). To our knowledge, functional studies have not been reported for this variant. This variant has been reported in three individuals affected with breast, pancreatic, and/or ovarian cancer (PMID: 32483276, 32885271). In a large breast cancer case-control meta analysis conducted by the BRIDGES consortium, this variant was reported in 1/60466 cases and 1/53461 unaffected controls (PMID: 33471991; Leiden Open Variation Database DB-ID BRCA2_007521). This variant has been identified in 2/251296 chromosomes in the general population by the Genome Aggregation Database (gnomAD). The available evidence is insufficient to determine the role of this variant in disease conclusively. Therefore, this variant is classified as a Variant of Uncertain Significance.

Baylor Genetics
Classification: Uncertain significance for Familial cancer of breast. Last evaluated: 2024-01-17. Review status: criteria provided, single submitter. Criteria: ACMG Guidelines, 2015. Collection method: clinical testing. Allele origin: unknown.

PreventionGenetics, part of Exact Sciences
Classification: Uncertain significance for BRCA2-related condition. Last evaluated: 2023-01-31. Review status: criteria provided, single submitter. Criteria: ACMG Guidelines, 2015. Collection method: clinical testing. Allele origin: germline.
Comment: The BRCA2 c.9338T>C variant is predicted to result in the amino acid substitution p.Ile3113Thr. To our knowledge, this variant has not been reported in the literature. This variant is reported in 0.0018% of alleles in individuals of European (Non-Finnish) descent in gnomAD. At this time, the clinical significance of this variant is uncertain due to the absence of conclusive functional and genetic evidence.

NM_000059.4(BRCA2):c.9338T>C (p.Ile3113Thr)

Gene: BRCA2 (BRCA2 DNA repair associated; plus strand). Cytogenetic location: 13q13.1.
Variant type: single nucleotide variant.
Coding change: c.9338T>C on transcript NM_000059.4 (MANE Select); coding-DNA position 9338, T replaced by C.
Protein change: p.Ile3113Thr; replaces isoleucine 3113 with threonine.
Molecular consequence: missense variant.
Genome position (GRCh38, 1-based): chr13:32,394,770, T>C. VCF-style: chr13-32394770-T-C. GRCh37 (hg19) VCF-style: chr13-32968907-T-C.
Other names: short protein forms I3113T.
Identifiers: ClinVar variation 187011 (VCV000187011.36), dbSNP rs770003991, ClinGen allele CA026107.